The following is an entry in ClinVar:

ClinVar aggregate classification (germline): Likely pathogenic. Review status: criteria provided, single submitter (1 of 4 stars). 2 submissions from 2 submitters: Likely pathogenic (1). 1 of the submissions does not count toward it. Last evaluated 2025-07-15.

Conditions:
Metaphyseal chondrodysplasia, McKusick type (CHH). Also called: Cartilage-hair hypoplasia; Cartilage-Hair Hypoplasia (CHH). Identifiers: Orphanet 175, MedGen C0220748, MONDO:0009595, OMIM 250250.

Submissions (2):

Natera, Inc.
Classification: Likely pathogenic for Cartilage-hair hypoplasia. Last evaluated: 2025-07-15. Review status: criteria provided, single submitter. Criteria: Natera Variant Classification Schema (03/2026). Collection method: clinical testing. Allele origin: germline.
Comment: The n.-8_-7insGGGACTGTGAAGCTG variant in RMRP is an insertion affecting the RMRP promoter region between the TATA box and the transcription initiation site. Other duplications and insertions just upstream of the transcription initiation site have been reported in individuals affected with cartilage-hair hypoplasia (PMID: 11207361, 17937437). This variant is rare in the general population with a frequency below the threshold expected for the associated phenotype(s). Given the available evidence, this variant is classified as Likely pathogenic.

Counsyl
Classification: Likely pathogenic for Metaphyseal chondrodysplasia, McKusick type. Last evaluated: 2018-01-24. Review status: no assertion criteria provided. Collection method: clinical testing. Allele origin: unknown. Not counted in ClinVar's aggregate classification.

Literature cited by the submitters: PubMed 11207361 (cited by Natera, Inc.); PubMed 17937437 (cited by Natera, Inc.).

NR_003051.3(RMRP):n.-8_-7insGGGACTGTGAAGCTG

Gene: RMRP (RNA component of mitochondrial RNA processing endoribonuclease; minus strand). Cytogenetic location: 9p13.3.
Variant type: Insertion.
Genome position: GRCh38 VCF-style: chr9-35658025-T-TCAGCTTCACAGTCCC. GRCh37 (hg19) VCF-style: chr9-35658022-T-TCAGCTTCACAGTCCC.
Identifiers: ClinVar variation 556294 (VCV000556294.1), dbSNP rs1230629953, ClinGen allele CA587570212.
Genomic context (GRCh38, chr9:35,658,025, plus strand): 5'-GGAGGAACAGAGTCCTCAGTGTGTAGCCTAGGATACAGGCCTTCAGCACGAACCACGTCC[T>TCAGCTTCACAGTCCC]CAGCTTCACAGAGTAGTATTTTATAGCCCTAAAGAAATTGTGTTTTATGATTAGGGTGAG-3'